The following is an entry in ClinVar:

ClinVar aggregate classification (germline): Likely pathogenic (1 of 4 stars; one submission).

Conditions:
Hyperornithinemia-hyperammonemia-homocitrullinuria syndrome (HHHS). Also called: HHH SYNDROME; Ornithine translocase deficiency. Identifiers: Orphanet 415, MedGen C0268540, MONDO:0009393, OMIM 238970.

gnomAD v4.1: 9 of 1,614,106 alleles (0.00056%); highest among the groups gnomAD compares: Non-Finnish European, 0.00017%; no homozygotes.

Submission:

Juno Genomics, Hangzhou Juno Genomics, Inc
Classification: Likely pathogenic for Hyperornithinemia-hyperammonemia-homocitrullinuria syndrome. Review status: criteria provided, single submitter. Criteria: ACMG Guidelines, 2015. Collection method: clinical testing. Allele origin: germline.
Comment: Null variant in a gene where loss of function (LOF) is a known mechanism of disease.;Absent from controls (or at extremely low frequency if recessive) in Genome Aggregation Database.

NM_014252.4(SLC25A15):c.521C>G (p.Ser174Ter)

Gene: SLC25A15 (solute carrier family 25 member 15; plus strand). Cytogenetic location: 13q14.11.
Variant type: single nucleotide variant.
Coding change: c.521C>G on transcript NM_014252.4 (MANE Select); coding-DNA position 521, C replaced by G.
Protein change: p.Ser174Ter; replaces serine 174 with a stop codon.
Molecular consequence: nonsense.
Genome position (GRCh38, 1-based): chr13:40,807,362, C>G. VCF-style: chr13-40807362-C-G. GRCh37 (hg19) VCF-style: chr13-41381498-C-G.
Other names: short protein forms S174*.
Identifiers: ClinVar variation 5005256 (VCV005005256.2).
Genomic context (GRCh38, chr13:40,807,362, plus strand): 5'-GGTCTGTCATCAAAAGTATTCTTAGGAAAGATGGCCCCTTGGGGTTCTACCATGGACTCT[C>G]AAGCACTTTACTTCGAGAAGTACCAGGCTATTTCTTCTTCTTCGGTGGCTATGAACTGAG-3'